The following is an entry in ClinVar:

NC_000003.12:g.169764740G>A

Genes: TERC (telomerase RNA component; minus strand), LOC110806306 (telomerase RNA component (TERC) promoter; plus strand). Cytogenetic location: 3q26.2.
Variant type: single nucleotide variant.
Genome position: GRCh38 VCF-style: chr3-169764740-G-A. GRCh37 (hg19) VCF-style: chr3-169482528-G-A.
Identifiers: ClinVar variation 534179 (VCV000534179.11), dbSNP rs747154095, ClinGen allele CA2696800.

ClinVar aggregate classification (germline): Uncertain significance (1 of 4 stars; one submission).

Conditions:
Dyskeratosis congenita, autosomal dominant 1 (DKCA1). Also called: Dyskeratosis congenita Scoggins type. Identifiers: Orphanet 1775, MedGen C4551974, MONDO:0007485, OMIM 127550. Inheritance: Variable.

Allele frequency attached by ClinVar (database versions not stated): gnomAD 0.00001; gnomAD exomes 0.00001; TOPMed 0.00001; ExAC 0.00002.

Submission:

Labcorp Genetics (formerly Invitae), Labcorp
Classification: Uncertain significance for Dyskeratosis congenita, autosomal dominant 1. Last evaluated: 2025-07-30. Review status: criteria provided, single submitter. Criteria: Invitae Variant Classification Sherloc (09022015). Collection method: clinical testing. Allele origin: germline.
Comment: This variant occurs in the TERC gene, which encodes an RNA molecule that does not result in a protein product. The frequency data for this variant in the population databases is considered unreliable, as metrics indicate poor data quality at this position in the gnomAD database. This variant has not been reported in the literature in individuals affected with TERC-related conditions. ClinVar contains an entry for this variant (Variation ID: 534179). Experimental studies and prediction algorithms are not available or were not evaluated, and the functional significance of this variant is currently unknown. This variant is located within the conserved regions 4 and 5 (CR4-CR5) domain of the TERC RNA component, which is required for telomerase activity (PMID: 15082312, 21844345). In summary, the available evidence is currently insufficient to determine the role of this variant in disease. Therefore, it has been classified as a Variant of Uncertain Significance.

Literature cited by the submitters: PubMed 15082312; PubMed 21844345.